The following is an entry in ClinVar:

NM_000548.5(TSC2):c.5337G>A (p.Gln1779=)

Gene: TSC2 (TSC complex subunit 2; plus strand). Cytogenetic location: 16p13.3.
Variant type: single nucleotide variant.
Coding change: c.5337G>A on transcript NM_000548.5 (MANE Select); coding-DNA position 5337, G replaced by A.
Protein change: p.Gln1779=; no amino-acid change (glutamine 1779 retained).
Molecular consequence: synonymous variant.
Genome position (GRCh38, 1-based): chr16:2,088,523, G>A. VCF-style: chr16-2088523-G-A. GRCh37 (hg19) VCF-style: chr16-2138524-G-A.
Other names: c.5337G>A (NM_000548.4); c.5136G>A, p.Gln1712= (NM_001077183.3); c.5268G>A, p.Gln1756= (NM_001114382.3); c.5028G>A, p.Gln1676= (NM_001318827.2); c.4992G>A, p.Gln1664= (NM_001318829.2); c.4605G>A, p.Gln1535= (NM_001318831.2); c.5169G>A, p.Gln1723= (NM_001318832.2); c.5139G>A, p.Gln1713= (NM_001363528.2); and 3 more.
Identifiers: ClinVar variation 668419 (VCV000668419.19), dbSNP rs768237144, ClinGen allele CA276760043.

ClinVar aggregate classification (germline): Conflicting classifications of pathogenicity. Review status: criteria provided, conflicting classifications (1 of 4 stars). 8 submissions from 8 submitters: Uncertain significance (1); Benign (2); Likely benign (4). 1 of the submissions does not count toward it. Last evaluated 2026-02-03.

Conditions:
TSC2-related disorder. Also called: TSC2-Related Disorders; TSC2-related condition.
Hereditary cancer-predisposing syndrome. Also called: Neoplastic Syndromes, Hereditary; Tumor predisposition; Hereditary neoplastic syndrome; Hereditary Cancer Syndrome. Identifiers: Orphanet 140162, MedGen C0027672, MeSH D009386, MONDO:0015356.
Tuberous sclerosis syndrome (TSC). Also called: Tuberous sclerosis; Tuberous Sclerosis Complex. Identifiers: Orphanet 805, MedGen C0041341, MONDO:0001734.
Tuberous sclerosis 2 (TSC2). Identifiers: Orphanet 805, MedGen C1860707, MONDO:0013199, OMIM 613254.

Allele frequency attached by ClinVar (database versions not stated): gnomAD 0.00001; TOPMed 0.00001.
gnomAD v4.1: 4 of 1,612,472 alleles (0.00025%); highest among the groups gnomAD compares: African/African-American, 0.004%; no homozygotes.

Submissions (8):

Labcorp Genetics (formerly Invitae), Labcorp
Classification: Likely benign for Tuberous sclerosis 2. Last evaluated: 2026-02-03. Review status: criteria provided, single submitter. Criteria: Invitae Variant Classification Sherloc (09022015). Collection method: clinical testing. Allele origin: germline.

Color Diagnostics, LLC DBA Color Health
Classification: Likely benign for Tuberous sclerosis syndrome. Last evaluated: 2025-09-05. Review status: criteria provided, single submitter. Criteria: ACMG Guidelines, 2015. Collection method: clinical testing. Allele origin: germline.

Myriad Genetics, Inc.
Classification: Benign for Tuberous sclerosis 2. Last evaluated: 2025-06-09. Review status: criteria provided, single submitter. Criteria: Myriad Autosomal Dominant, Autosomal Recessive and X-Linked Classification Criteria (2023). Collection method: clinical testing. Allele origin: unknown.
Comment: This variant is considered benign. This variant is a silent/synonymous amino acid change and it is not expected to impact splicing.

All of Us Research Program, National Institutes of Health
Classification: Uncertain significance for Tuberous sclerosis syndrome. Last evaluated: 2023-06-08. Review status: criteria provided, single submitter. Criteria: ACMG Guidelines, 2015. Collection method: clinical testing. Allele origin: germline. Inheritance: Autosomal dominant inheritance. Observed: 2 variant alleles, 2 heterozygotes.
Comment: This variant is located in the TSC2 protein. To our knowledge, functional studies have not been reported for this variant. This variant has not been reported in individuals affected with TSC2-related disorders in the literature. This variant has been identified in 2/281004 chromosomes in the general population by the Genome Aggregation Database (gnomAD). The available evidence is insufficient to determine the role of this variant in disease conclusively. Therefore, this variant is classified as a Variant of Uncertain Significance.

This study involves interpretation of variants in research participants for the purpose of population health screening. Participant phenotype was not available at the time of variant classification. Additional details can be found in publication PMID: 35346344, PMCID: PMC8962531

Genome-Nilou Lab
Classification: Benign for Tuberous sclerosis 2. Last evaluated: 2021-11-07. Review status: criteria provided, single submitter. Criteria: ACMG Guidelines, 2015. Collection method: clinical testing. Allele origin: germline. Affected: no.

Ambry Genetics
Classification: Likely benign for Hereditary cancer-predisposing syndrome. Last evaluated: 2018-11-06. Review status: criteria provided, single submitter. Criteria: Ambry Variant Classification Scheme 2023. Collection method: clinical testing. Allele origin: germline.

GeneDx
Classification: Likely benign. Last evaluated: 2018-05-22. Review status: criteria provided, single submitter. Criteria: GeneDx Variant Classification (06012015). Collection method: clinical testing. Allele origin: germline. Affected: yes.
Comment: This variant is considered likely benign or benign based on one or more of the following criteria: it is a conservative change, it occurs at a poorly conserved position in the protein, it is predicted to be benign by multiple in silico algorithms, and/or has population frequency not consistent with disease.

PreventionGenetics, part of Exact Sciences
Classification: Likely benign for TSC2-related condition. Last evaluated: 2024-08-06. Review status: no assertion criteria provided. Collection method: clinical testing. Allele origin: germline. Not counted in ClinVar's aggregate classification.
Comment: This variant is classified as likely benign based on ACMG/AMP sequence variant interpretation guidelines (Richards et al. 2015 PMID: 25741868, with internal and published modifications).